The following is an entry in ClinVar:

NM_000069.3(CACNA1S):c.1383C>G (p.Thr461=)

Gene: CACNA1S (calcium voltage-gated channel subunit alpha1 S; minus strand). Cytogenetic location: 1q32.1.
Variant type: single nucleotide variant.
Coding change: c.1383C>G on transcript NM_000069.3 (MANE Select); coding-DNA position 1383, C replaced by G.
Protein change: p.Thr461=; no amino-acid change (threonine 461 retained).
Molecular consequence: synonymous variant.
Genome position (GRCh38, 1-based): chr1:201,083,172, G>C on the plus strand (C>G on the coding strand, the complement: CACNA1S is on the minus strand). VCF-style: chr1-201083172-G-C. GRCh37 (hg19) VCF-style: chr1-201052300-G-C.
Identifiers: ClinVar variation 254790 (VCV000254790.56), dbSNP rs144920422, ClinGen allele CA078173.

ClinVar aggregate classification (germline): Likely benign. Review status: criteria provided, multiple submitters, no conflicts (2 of 4 stars). 10 submissions from 7 submitters: Likely benign (10). Last evaluated 2026-03-01.

Conditions:
Congenital myopathy 18. Also called: DIHYDROPYRIDINE RECEPTOR CONGENITAL MYOPATHY; DHPR CONGENITAL MYOPATHY; Myopathy, congenital, due to dihydropyridine receptor defect. Identifiers: MedGen C5830283, MONDO:0859514, OMIM 620246.
Malignant hyperthermia, susceptibility to, 5 (MHS5). Also called: CACNA1S-Related Malignant Hyperthermia Susceptibility. Identifiers: Orphanet 423, MedGen C1866077, MONDO:0011163, OMIM 601887.
Hypokalemic periodic paralysis, type 1. Also called: Hypokalemic Periodic Paralysis Type 1 (AD); HypoPP. Identifiers: Orphanet 681, MedGen C3714580, MONDO:0042979, OMIM 170400.
Thyrotoxic periodic paralysis, susceptibility to, 1 (TTPP1). Identifiers: Orphanet 79102, MedGen C2749982, MONDO:0008570, OMIM 188580.

Allele frequency attached by ClinVar (database versions not stated): gnomAD 0.00003; TOPMed 0.00003; gnomAD exomes 0.00010 and 0.00011; ExAC 0.00011; ESP Exome Variant Server 0.00023.
gnomAD v4.1: 181 of 1,614,122 alleles (0.011%); highest among the groups gnomAD compares: Middle Eastern, 0.18%; no homozygotes.

Submissions (10):

CeGaT Center for Human Genetics Tuebingen
Classification: Likely benign. Last evaluated: 2026-03-01. Review status: criteria provided, single submitter. Criteria: CeGaT Center For Human Genetics Tuebingen Variant Classification Criteria Version 2. Collection method: clinical testing. Allele origin: germline. Affected: yes. Observed: 6 variant alleles.
Comment: CACNA1S: BP4, BP7

Labcorp Genetics (formerly Invitae), Labcorp
Classification: Likely benign for Hypokalemic periodic paralysis, type 1; Malignant hyperthermia, susceptibility to, 5. Last evaluated: 2025-12-22. Review status: criteria provided, single submitter. Criteria: Invitae Variant Classification Sherloc (09022015). Collection method: clinical testing. Allele origin: germline.

Blueprint Genetics
Classification: Likely benign. Last evaluated: 2024-10-29. Review status: criteria provided, single submitter. Criteria: ACMG Guidelines, 2015. Collection method: clinical testing. Allele origin: germline.

Genome-Nilou Lab
Classification: Likely benign for Malignant hyperthermia, susceptibility to, 5. Last evaluated: 2023-04-11. Review status: criteria provided, single submitter. Criteria: ACMG Guidelines, 2015. Collection method: clinical testing. Allele origin: germline. Affected: no.

Genome-Nilou Lab
Classification: Likely benign for Thyrotoxic periodic paralysis, susceptibility to, 1. Last evaluated: 2023-04-11. Review status: criteria provided, single submitter. Criteria: ACMG Guidelines, 2015. Collection method: clinical testing. Allele origin: germline. Affected: no.

Genome-Nilou Lab
Classification: Likely benign for Congenital myopathy 18. Last evaluated: 2023-04-11. Review status: criteria provided, single submitter. Criteria: ACMG Guidelines, 2015. Collection method: clinical testing. Allele origin: germline. Affected: no.

Genome-Nilou Lab
Classification: Likely benign for Hypokalemic periodic paralysis, type 1. Last evaluated: 2023-04-11. Review status: criteria provided, single submitter. Criteria: ACMG Guidelines, 2015. Collection method: clinical testing. Allele origin: germline. Affected: no.

Color Diagnostics, LLC DBA Color Health
Classification: Likely benign for Malignant hyperthermia, susceptibility to, 5. Last evaluated: 2022-11-06. Review status: criteria provided, single submitter. Criteria: ACMG Guidelines, 2015. Collection method: clinical testing. Allele origin: germline.

Fulgent Genetics
Classification: Likely benign for Hypokalemic periodic paralysis, type 1; Thyrotoxic periodic paralysis, susceptibility to, 1; Malignant hyperthermia, susceptibility to, 5. Last evaluated: 2022-05-14. Review status: criteria provided, single submitter. Criteria: ACMG Guidelines, 2015. Collection method: clinical testing. Allele origin: unknown.

PreventionGenetics, part of Exact Sciences
Classification: Likely benign. Review status: criteria provided, single submitter. Criteria: ACMG Guidelines, 2015. Collection method: clinical testing. Allele origin: germline.